The following is an entry in ClinVar:

NM_181776.3(SLC36A2):c.959G>A (p.Arg320Gln)

Gene: SLC36A2 (solute carrier family 36 member 2; minus strand). Cytogenetic location: 5q33.1.
Variant type: single nucleotide variant.
Coding change: c.959G>A on transcript NM_181776.3 (MANE Select); coding-DNA position 959, G replaced by A.
Protein change: p.Arg320Gln; replaces arginine 320 with glutamine.
Molecular consequence: missense variant.
Genome position (GRCh38, 1-based): chr5:151,325,337, C>T on the plus strand (G>A on the coding strand, the complement: SLC36A2 is on the minus strand). VCF-style: chr5-151325337-C-T. GRCh37 (hg19) VCF-style: chr5-150704898-C-T.
Other names: short protein forms R320Q.
Identifiers: ClinVar variation 4733762 (VCV004733762.1).

ClinVar aggregate classification (germline): Uncertain significance (1 of 4 stars; one submission).

gnomAD v4.1: 154 of 1,613,928 alleles (0.0095%); highest among the groups gnomAD compares: Non-Finnish European, 0.01%; no homozygotes.

Submission:

Labcorp Genetics (formerly Invitae), Labcorp
Classification: Uncertain significance. Last evaluated: 2025-10-09. Review status: criteria provided, single submitter. Criteria: Invitae Variant Classification Sherloc (09022015). Collection method: clinical testing. Allele origin: germline.
Comment: This sequence change replaces arginine, which is basic and polar, with glutamine, which is neutral and polar, at codon 320 of the SLC36A2 protein (p.Arg320Gln). This variant is present in population databases (rs199803602, gnomAD 0.03%). This variant has not been reported in the literature in individuals affected with SLC36A2-related conditions. Invitae Evidence Modeling of protein sequence and biophysical properties (such as structural, functional, and spatial information, amino acid conservation, physicochemical variation, residue mobility, and thermodynamic stability) indicates that this missense variant is not expected to disrupt SLC36A2 protein function with a negative predictive value of 80%. In summary, the available evidence is currently insufficient to determine the role of this variant in disease. Therefore, it has been classified as a Variant of Uncertain Significance.